The following is an entry in ClinVar:

ClinVar aggregate classification (germline): Uncertain significance (1 of 4 stars; one submission).

Conditions:
Cardiovascular phenotype. Identifiers: MedGen CN230736.

Submission:

Ambry Genetics
Classification: Uncertain significance for Cardiovascular phenotype. Last evaluated: 2024-12-18. Review status: criteria provided, single submitter. Criteria: Ambry Variant Classification Scheme 2023. Collection method: clinical testing. Allele origin: germline.
Comment: The c.462_464dupGGA variant (also known as p.E154dup), located in coding exon 2 of the FLNC gene, results from an in-frame duplication of GGA at nucleotide positions 462 to 464. This results in the duplication of an extra glutamic acid residue between codons 154 and 155. This amino acid position is well conserved in available vertebrate species. In addition, the in silico prediction for this alteration is inconclusive (Choi Y et al. PLoS ONE. 2012; 7(10):e46688). Based on the available evidence, the clinical significance of this variant remains unclear.

NM_001458.5(FLNC):c.462_464dup (p.Glu154_Asp155insGlu)

Gene: FLNC (filamin C; plus strand). Cytogenetic location: 7q32.1.
Variant type: Duplication.
Coding change: c.462_464dup on transcript NM_001458.5 (MANE Select); coding-DNA positions 462 to 464, 3 bases duplicated (GGA; older notation c.462_464dupGGA).
Protein change: p.Glu154_Asp155insGlu.
Molecular consequence: inframe insertion. On other transcripts: inframe indel (1).
Genome position (GRCh38, 1-based): chr7:128,835,435-128,835,437, GGA duplicated; duplicating any 3 consecutive bases within chr7:128,835,433-128,835,437 gives the same sequence; the c. name uses the placement nearest the transcript's 3' end. VCF-style (leftmost placement, unchanged base first): chr7-128835432-T-TGAG. GRCh37 (hg19) VCF-style: chr7-128475486-T-TGAG.
Other names: c.462_464dup, p.Glu154_Asp155insGlu (NM_001127487.2); c.462_464dupGGA (NM_001458.4).
Identifiers: ClinVar variation 3850770 (VCV003850770.1).